The following is an entry in ClinVar:

NM_001256627.2(BRSK2):c.2188_2194del (p.Thr730fs)

Gene: BRSK2 (BR serine/threonine kinase 2; plus strand). Cytogenetic location: 11p15.5.
Variant type: Deletion.
Coding change: c.2188_2194del on transcript NM_001256627.2 (MANE Select); coding-DNA positions 2188 to 2194, 7 bases deleted (ACCGCCC; older notation c.2188_2194delACCGCCC).
Protein change: p.Thr730fs; shifts the reading frame from threonine 730.
Molecular consequence: frameshift variant. On other transcripts: intron variant (3).
Genome position (GRCh38, 1-based): chr11:1,460,700-1,460,706, ACCGCCC deleted; deleting any 7 consecutive bases within chr11:1,460,694-1,460,706 gives the same sequence; the c. name uses the placement nearest the transcript's 3' end. VCF-style (leftmost placement, unchanged base first): chr11-1460693-CCCGCCCA-C. GRCh37 (hg19) VCF-style: chr11-1481923-CCCGCCCA-C.
Other names: c.2278_2284del, p.Thr760fs (NM_001256630.1); c.*10-270_*10-264del (NM_001256629.2, NM_001282218.2); c.1988-270_1988-264del (NM_003957.4); c.2188_2194del7 (NM_001256627.1); c.2188_2194del (NM_001256627.1); short protein forms T730fs, T760fs.
Identifiers: ClinVar variation 3038748 (VCV003038748.3), dbSNP rs1414883645, ClinGen allele CA597429701.
Genomic context (GRCh38, chr11:1,460,693, plus strand): 5'-TGGCCCTGGCCCCGGAGGGGACGCCGAGTACCCAACGGGCAAGGACACGGCCAAGATGGG[CCCGCCCA>C]CCGCCCGCCGCGAGCAGCCTTAGACACACTAGCCCCCCCCCCCAGCACAGCACTGACAGC-3'

ClinVar aggregate classification (germline): Uncertain significance. Review status: criteria provided, single submitter (1 of 4 stars). 2 submissions from 2 submitters: Uncertain significance (1). 1 of the submissions does not count toward it. Last evaluated 2024-10-17.

Conditions:
BRSK2-related disorder. Also called: BRSK2-related condition; BRSK2-Related Disorders.

Submissions (2):

GeneDx
Classification: Uncertain significance. Last evaluated: 2024-10-17. Review status: criteria provided, single submitter. Criteria: GeneDx Variant Classification Process June 2021. Collection method: clinical testing. Allele origin: germline. Affected: yes.
Comment: Frameshift variant predicted to result in abnormal protein length as the last 7 amino acids are replaced with 124 different amino acids; Has not been previously published as pathogenic or benign to our knowledge

PreventionGenetics, part of Exact Sciences
Classification: Likely benign for BRSK2-related condition. Last evaluated: 2023-11-14. Review status: no assertion criteria provided. Collection method: clinical testing. Allele origin: germline. Not counted in ClinVar's aggregate classification.
Comment: This variant is classified as likely benign based on ACMG/AMP sequence variant interpretation guidelines (Richards et al. 2015 PMID: 25741868, with internal and published modifications).